The following is an entry in ClinVar:

ClinVar aggregate classification (germline): Uncertain significance. Review status: criteria provided, multiple submitters, no conflicts (2 of 4 stars). 2 submissions from 2 submitters: Uncertain significance (2). Last evaluated 2025-06-10.

Conditions:
Inborn genetic diseases. Identifiers: MedGen C0950123, MeSH D030342.

Allele frequency attached by ClinVar (database versions not stated): TOPMed below 0.00001.

Submissions (2):

Ambry Genetics
Classification: Uncertain significance for Inborn genetic diseases. Last evaluated: 2025-06-10. Review status: criteria provided, single submitter. Criteria: Ambry Variant Classification Scheme 2023. Collection method: clinical testing. Allele origin: germline.

Labcorp Genetics (formerly Invitae), Labcorp
Classification: Uncertain significance. Last evaluated: 2023-10-05. Review status: criteria provided, single submitter. Criteria: Invitae Variant Classification Sherloc (09022015). Collection method: clinical testing. Allele origin: germline.
Comment: This sequence change replaces arginine, which is basic and polar, with leucine, which is neutral and non-polar, at codon 49 of the KMT2B protein (p.Arg49Leu). The frequency data for this variant in the population databases is considered unreliable, as metrics indicate insufficient coverage at this position in the gnomAD database. This variant has not been reported in the literature in individuals affected with KMT2B-related conditions. Advanced modeling of protein sequence and biophysical properties (such as structural, functional, and spatial information, amino acid conservation, physicochemical variation, residue mobility, and thermodynamic stability) performed at Invitae indicates that this missense variant is not expected to disrupt KMT2B protein function. In summary, the available evidence is currently insufficient to determine the role of this variant in disease. Therefore, it has been classified as a Variant of Uncertain Significance.

NM_014727.3(KMT2B):c.146G>T (p.Arg49Leu)

Genes: KMT2B (lysine methyltransferase 2B; plus strand), LOC130064258 (ATAC-STARR-seq lymphoblastoid silent region 10535; plus strand). Cytogenetic location: 19q13.12.
Variant type: single nucleotide variant.
Coding change: c.146G>T on transcript NM_014727.3 (MANE Select); coding-DNA position 146, G replaced by T.
Protein change: p.Arg49Leu; replaces arginine 49 with leucine.
Molecular consequence: missense variant.
Genome position (GRCh38, 1-based): chr19:35,718,164, G>T. VCF-style: chr19-35718164-G-T. GRCh37 (hg19) VCF-style: chr19-36209066-G-T.
Other names: c.146G>T (NM_014727.1); short protein forms R49L.
Identifiers: ClinVar variation 3007879 (VCV003007879.4), dbSNP rs1470783261, ClinGen allele CA405374783.